The following is an entry in ClinVar:

ClinVar aggregate classification (germline): Pathogenic (1 of 4 stars; one submission).

Conditions:
Retinoblastoma (RB1). Also called: RETINOBLASTOMA, SOMATIC. Identifiers: Orphanet 790, MedGen C0035335, MeSH D012175, MONDO:0008380, OMIM 180200, HP:0009919. Disease mechanism: loss of function. Inheritance: Both sporadic and heritable forms are tested..

Submission:

Genetic Diagnostic Laboratory, University of Pennsylvania School of Medicine
Classification: Pathogenic for Retinoblastoma. Last evaluated: 2024-05-20. Review status: criteria provided, single submitter. Criteria: ACMG Guidelines, 2015. Collection method: clinical testing. Allele origin: germline. Affected: yes. Observed: 1 variant allele.
Comment: Case and Pedigree Information: BILATERAL CASES:1, UNILATERAL CASES:0, TOTAL CASES:1, PEDIGREES:1. ACMG Codes Applied:PVS1, PM2

NM_000321.3(RB1):c.902del (p.Asn301fs)

Gene: RB1 (RB transcriptional corepressor 1; plus strand). Cytogenetic location: 13q14.2.
Variant type: Deletion.
Coding change: c.902del on transcript NM_000321.3 (MANE Select); coding-DNA position 902, one base deleted (A; older notation c.902delA).
Protein change: p.Asn301fs; shifts the reading frame from asparagine 301.
Molecular consequence: frameshift variant.
Genome position (GRCh38, 1-based): chr13:48,364,934, A deleted; the last of 2 consecutive A bases (chr13:48,364,933-48,364,934); deleting either gives the same sequence. VCF-style (leftmost placement, unchanged base first): chr13-48364932-GA-G. GRCh37 (hg19) VCF-style: chr13-48939068-GA-G.
Other names: c.902del, p.Asn301fs (NM_001407165.1, NM_001407166.1); short protein forms N301fs.
Identifiers: ClinVar variation 3236939 (VCV003236939.1), dbSNP rs2542185122.